The following is an entry in ClinVar:

ClinVar aggregate classification (germline): Likely benign (1 of 4 stars; one submission).

Allele frequency attached by ClinVar (database versions not stated): gnomAD exomes below 0.00001; TOPMed below 0.00001; ExAC 0.00001.
gnomAD v4.1: 7 of 1,613,812 alleles (0.00043%); highest among the groups gnomAD compares: Middle Eastern, 0.017%; no homozygotes.

Submission:

CeGaT Center for Human Genetics Tuebingen
Classification: Likely benign. Last evaluated: 2024-01-01. Review status: criteria provided, single submitter. Criteria: CeGaT Center For Human Genetics Tuebingen Variant Classification Criteria Version 2. Collection method: clinical testing. Allele origin: germline. Affected: yes. Observed: 1 variant allele.
Comment: RALGAPA1: BP4, BP7

NM_001346249.2(RALGAPA1):c.1941A>G (p.Ser647=)

Gene: RALGAPA1 (Ral GTPase activating protein catalytic subunit alpha 1; minus strand). Cytogenetic location: 14q13.2.
Variant type: single nucleotide variant.
Coding change: c.1941A>G on transcript NM_001346249.2 (MANE Select); coding-DNA position 1941, A replaced by G.
Protein change: p.Ser647=; no amino-acid change (serine 647 retained).
Molecular consequence: synonymous variant.
Genome position (GRCh38, 1-based): chr14:35,723,190, T>C on the plus strand (A>G on the coding strand, the complement: RALGAPA1 is on the minus strand). VCF-style: chr14-35723190-T-C. GRCh37 (hg19) VCF-style: chr14-36192396-T-C.
Other names: c.1941A>G, p.Ser647= (NM_001283043.3, NM_001283044.3, NM_001330075.3 and 7 more transcripts).
Identifiers: ClinVar variation 3026290 (VCV003026290.22), dbSNP rs780245761, ClinGen allele CA7156949.